The following is an entry in ClinVar:

NM_020184.4(CNNM4):c.472G>C (p.Gly158Arg)

Gene: CNNM4 (cyclin and CBS domain divalent metal cation transport mediator 4; plus strand). Cytogenetic location: 2q11.2.
Variant type: single nucleotide variant.
Coding change: c.472G>C on transcript NM_020184.4 (MANE Select); coding-DNA position 472, G replaced by C.
Protein change: p.Gly158Arg; replaces glycine 158 with arginine.
Molecular consequence: missense variant.
Genome position (GRCh38, 1-based): chr2:96,761,471, G>C. VCF-style: chr2-96761471-G-C. GRCh37 (hg19) VCF-style: chr2-97427208-G-C.
Other names: c.472G>C (NM_020184.3); short protein forms G158R.
Identifiers: ClinVar variation 1419642 (VCV001419642.9), dbSNP rs560847070, ClinGen allele CA1783216.

ClinVar aggregate classification (germline): Uncertain significance. Review status: criteria provided, multiple submitters, no conflicts (2 of 4 stars). 2 submissions from 2 submitters: Uncertain significance (2). Last evaluated 2025-10-30.

Conditions:
Inborn genetic diseases. Identifiers: MedGen C0950123, MeSH D030342.

Allele frequency attached by ClinVar (database versions not stated): gnomAD exomes below 0.00001; ExAC 0.00001; gnomAD 0.00001; 1000 Genomes Project 30x 0.00016; 1000 Genomes Project 0.00020.
gnomAD v4.1: 3 of 1,614,092 alleles (0.00019%); highest among the groups gnomAD compares: South Asian, 0.0033%; no homozygotes.

Submissions (2):

Ambry Genetics
Classification: Uncertain significance for Inborn genetic diseases. Last evaluated: 2025-10-30. Review status: criteria provided, single submitter. Criteria: Ambry Variant Classification Scheme 2023. Collection method: clinical testing. Allele origin: germline.

Labcorp Genetics (formerly Invitae), Labcorp
Classification: Uncertain significance. Last evaluated: 2024-12-16. Review status: criteria provided, single submitter. Criteria: Invitae Variant Classification Sherloc (09022015). Collection method: clinical testing. Allele origin: germline.
Comment: This sequence change replaces glycine, which is neutral and non-polar, with arginine, which is basic and polar, at codon 158 of the CNNM4 protein (p.Gly158Arg). This variant is present in population databases (rs560847070, gnomAD 0.003%). This variant has not been reported in the literature in individuals affected with CNNM4-related conditions. ClinVar contains an entry for this variant (Variation ID: 1419642). Invitae Evidence Modeling of protein sequence and biophysical properties (such as structural, functional, and spatial information, amino acid conservation, physicochemical variation, residue mobility, and thermodynamic stability) indicates that this missense variant is not expected to disrupt CNNM4 protein function with a negative predictive value of 80%. In summary, the available evidence is currently insufficient to determine the role of this variant in disease. Therefore, it has been classified as a Variant of Uncertain Significance.